The following is an entry in ClinVar:

ClinVar aggregate classification (germline): Likely benign (1 of 4 stars; one submission).

Allele frequency attached by ClinVar (database versions not stated): gnomAD exomes 0.00001; TOPMed 0.00001; ExAC 0.00002.
gnomAD v4.1: 25 of 1,614,084 alleles (0.0015%); highest among the groups gnomAD compares: Admixed American, 0.0067%; no homozygotes.

Submission:

CeGaT Center for Human Genetics Tuebingen
Classification: Likely benign. Last evaluated: 2023-04-01. Review status: criteria provided, single submitter. Criteria: CeGaT Center For Human Genetics Tuebingen Variant Classification Criteria Version 2. Collection method: clinical testing. Allele origin: germline. Affected: yes. Observed: 1 variant allele.
Comment: ANKAR: BP4, BP7

NM_001378068.1(ANKAR):c.1830C>T (p.Ala610=)

Gene: ANKAR (ankyrin and armadillo repeat containing; plus strand). Cytogenetic location: 2q32.2.
Variant type: single nucleotide variant.
Coding change: c.1830C>T on transcript NM_001378068.1 (MANE Select); coding-DNA position 1830, C replaced by T.
Protein change: p.Ala610=; no amino-acid change (alanine 610 retained).
Molecular consequence: synonymous variant.
Genome position (GRCh38, 1-based): chr2:189,705,144, C>T. VCF-style: chr2-189705144-C-T. GRCh37 (hg19) VCF-style: chr2-190569870-C-T.
Other names: c.1830C>T, p.Ala610= (NM_144708.3).
Identifiers: ClinVar variation 2651761 (VCV002651761.24), dbSNP rs754714133, ClinGen allele CA2025210.